The following is an entry in ClinVar:

NM_000152.5(GAA):c.2408A>G (p.Gln803Arg)

Gene: GAA (alpha glucosidase; plus strand). Cytogenetic location: 17q25.3.
Variant type: single nucleotide variant.
Coding change: c.2408A>G on transcript NM_000152.5 (MANE Select); coding-DNA position 2408, A replaced by G.
Protein change: p.Gln803Arg; replaces glutamine 803 with arginine.
Molecular consequence: missense variant.
Genome position (GRCh38, 1-based): chr17:80,117,676, A>G. VCF-style: chr17-80117676-A-G. GRCh37 (hg19) VCF-style: chr17-78091475-A-G.
Other names: NM_000152.5(GAA):c.2408A>G; p.Gln803Arg; c.2408A>G (LRG_673t1, NM_001079803.2); c.2408A>G, p.Gln803Arg (NM_001079803.3, NM_001079804.3); short protein forms Q803R.
Identifiers: ClinVar variation 496900 (VCV000496900.19), dbSNP rs142487534, ClinGen allele CA8815730.

ClinVar aggregate classification (germline): Uncertain significance. Review status: reviewed by expert panel (3 of 4 stars). 10 submissions from 10 submitters: Uncertain significance (1). 9 of the submissions do not count toward it. Last evaluated 2024-06-06.

Conditions:
Cardiovascular phenotype. Identifiers: MedGen CN230736.
Glycogen storage disease, type II (IOPD). Also called: Pompe Disease; POMPE DISEASE, INFANTILE-ONSET; GLYCOGEN STORAGE DISEASE II, INFANTILE-ONSET; ACID ALPHA-GLUCOSIDASE DEFICIENCY, INFANTILE-ONSET; GAA DEFICIENCY, INFANTILE-ONSET; ACID MALTASE DEFICIENCY, INFANTILE-ONSET. Identifiers: Orphanet 365, MedGen C0017921, MONDO:0009290, OMIM 232300.

Allele frequency attached by ClinVar (database versions not stated): ExAC 0.00003; gnomAD 0.00005; gnomAD exomes 0.00005; TOPMed 0.00007; ESP Exome Variant Server 0.00008.
gnomAD v4.1: 93 of 1,612,530 alleles (0.0058%); highest among the groups gnomAD compares: Middle Eastern, 0.23%; no homozygotes.

Submissions (10):

ClinGen Lysosomal Storage Disorder Variant Curation Expert Panel
Classification: Uncertain significance for Glycogen storage disease, type II. Last evaluated: 2024-06-06. Review status: reviewed by expert panel. Criteria: clingen_lsd_acmg_specifications_v2-1. Collection method: curation. Allele origin: germline. Inheritance: Autosomal recessive inheritance.
Comment: The NM_000152.5:c.2408A>G variant in GAA is a missense variant predicted to cause substitution of Gln by Arg at amino acid 803 (p.Gln803Arg). The highest population minor allele frequency in gnomAD v2.1.1 is 0.00009 (12/126838 alleles) in the European (Non-Finnish) population, which is lower than the ClinGen Lysosomal Diseases VCEP’s threshold for PM2 (<0.001), meeting this criterion (PM2_Supporting). The computational predictor REVEL gives a score of 0.808 which is above the thresholds predicting a damaging (>0.7) impact on GAA function. Thus met PP3 criteria. It has not been reported in the literature as causative for GAA-related disease. There is a ClinVar entry for this variant (Variation ID: 496900, 2 star review status) with 8 submitters classifying the variant as Uncertain significance. In summary, this variant meets the criteria to be classified as Uncertain significance for Pompe disease based on the ACMG/AMP criteria applied, as specified by the ClinGen Lysosomal Diseases Variant Curation Expert panel (Specifications Version 2.0): PM2_supporting, PP3. (Classification approved by the ClinGen Lysosomal Diseases Variant Curation Expert Panel on June 6, 2024)

Mayo Clinic Laboratories, Mayo Clinic
Classification: Uncertain significance. Last evaluated: 2025-09-16. Review status: criteria provided, single submitter. Criteria: ACMG Guidelines, 2015. Collection method: clinical testing. Allele origin: germline. Observed: 2 variant alleles. Not counted in ClinVar's aggregate classification.
Comment: BP5, PP3_moderate, PM2_supporting, PM3_supporting

Revvity Omics, Revvity
Classification: Uncertain significance. Last evaluated: 2025-01-28. Review status: criteria provided, single submitter. Criteria: ACMG Guidelines, 2015. Collection method: clinical testing. Allele origin: germline. Not counted in ClinVar's aggregate classification.

Labcorp Genetics (formerly Invitae), Labcorp
Classification: Uncertain significance for Glycogen storage disease, type II. Last evaluated: 2022-10-24. Review status: criteria provided, single submitter. Criteria: Invitae Variant Classification Sherloc (09022015). Collection method: clinical testing. Allele origin: germline. Not counted in ClinVar's aggregate classification.
Comment: This sequence change replaces glutamine, which is neutral and polar, with arginine, which is basic and polar, at codon 803 of the GAA protein (p.Gln803Arg). This variant is present in population databases (rs142487534, gnomAD 0.007%). This variant has not been reported in the literature in individuals affected with GAA-related conditions. ClinVar contains an entry for this variant (Variation ID: 496900). Advanced modeling of protein sequence and biophysical properties (such as structural, functional, and spatial information, amino acid conservation, physicochemical variation, residue mobility, and thermodynamic stability) has been performed at Invitae for this missense variant, however the output from this modeling did not meet the statistical confidence thresholds required to predict the impact of this variant on GAA protein function. In summary, the available evidence is currently insufficient to determine the role of this variant in disease. Therefore, it has been classified as a Variant of Uncertain Significance.

Ambry Genetics
Classification: Uncertain significance for Cardiovascular phenotype. Last evaluated: 2022-01-10. Review status: criteria provided, single submitter. Criteria: Ambry Variant Classification Scheme 2023. Collection method: clinical testing. Allele origin: germline. Not counted in ClinVar's aggregate classification.

Genome-Nilou Lab
Classification: Uncertain significance for Glycogen storage disease, type II. Last evaluated: 2021-09-05. Review status: criteria provided, single submitter. Criteria: ACMG Guidelines, 2015. Collection method: clinical testing. Allele origin: germline. Affected: no. Not counted in ClinVar's aggregate classification.

Fulgent Genetics
Classification: Uncertain significance for Glycogen storage disease, type II. Last evaluated: 2021-08-25. Review status: criteria provided, single submitter. Criteria: ACMG Guidelines, 2015. Collection method: clinical testing. Allele origin: unknown. Not counted in ClinVar's aggregate classification.

Baylor Genetics
Classification: Uncertain significance for Glycogen storage disease, type II. Last evaluated: 2018-11-08. Review status: criteria provided, single submitter. Criteria: ACMG Guidelines, 2015. Collection method: clinical testing. Allele origin: unknown. Affected: yes. Not counted in ClinVar's aggregate classification.
Comment: This variant was determined to be of uncertain significance according to ACMG Guidelines, 2015 [PMID:25741868].

Eurofins Ntd Llc (ga)
Classification: Uncertain significance. Last evaluated: 2017-01-24. Review status: criteria provided, single submitter. Criteria: EGL Classification Definitions 2015. Collection method: clinical testing. Allele origin: germline. Observed: 4 variant alleles, 2 heterozygotes. Not counted in ClinVar's aggregate classification.

Natera, Inc.
Classification: Uncertain significance for Glycogen storage disease type II. Last evaluated: 2019-10-28. Review status: no assertion criteria provided. Collection method: clinical testing. Allele origin: germline. Not counted in ClinVar's aggregate classification.

Literature cited by the submitters: PubMed 37273706 (cited by Mayo Clinic Laboratories, Mayo Clinic); PubMed 39678382 (cited by Mayo Clinic Laboratories, Mayo Clinic).